The following is an entry in ClinVar:

ClinVar aggregate classification (germline): Benign/Likely benign. Review status: criteria provided, multiple submitters, no conflicts (2 of 4 stars). 17 submissions from 17 submitters: Benign (2); Likely benign (13). 2 of the submissions do not count toward it. Last evaluated 2026-01-14.

Conditions:
Hereditary cancer-predisposing syndrome. Also called: Tumor predisposition; Hereditary Cancer Syndrome; Hereditary neoplastic syndrome; Neoplastic Syndromes, Hereditary. Identifiers: Orphanet 140162, MedGen C0027672, MeSH D009386, MONDO:0015356.
Hereditary breast ovarian cancer syndrome. Also called: Hereditary breast and ovarian cancer syndrome (HBOC); BRCA1- and BRCA2-Associated Hereditary Breast and Ovarian Cancer; Hereditary breast and/or ovarian cancer syndrome; Breast and ovarian cancer; Hereditary breast and ovarian cancer syndrome; Hereditary breast and ovarian cancer. Identifiers: Orphanet 145, MedGen C0677776, MeSH D061325, MONDO:0003582. Disease mechanism: loss of function.
Peutz-Jeghers syndrome (PJS). Also called: POLYPOSIS, HAMARTOMATOUS INTESTINAL; POLYPS-AND-SPOTS SYNDROME; Peutz-Jeghers polyposis; Periorificial lentiginosis syndrome. Identifiers: Orphanet 2869, MedGen C0031269, MeSH D010580, MONDO:0008280, OMIM 175200.

Allele frequency attached by ClinVar (database versions not stated): gnomAD 0.00003; gnomAD exomes 0.00003; TOPMed 0.00004; ExAC 0.00006.
gnomAD v4.1: 54 of 1,591,442 alleles (0.0034%); highest among the groups gnomAD compares: East Asian, 0.0091%; no homozygotes.

Submissions (17):

Labcorp Genetics (formerly Invitae), Labcorp
Classification: Likely benign for Peutz-Jeghers syndrome. Last evaluated: 2026-01-14. Review status: criteria provided, single submitter. Criteria: Invitae Variant Classification Sherloc (09022015). Collection method: clinical testing. Allele origin: germline.

Center for Genomic Medicine, Rigshospitalet, Copenhagen University Hospital
Classification: Likely benign. Last evaluated: 2025-03-04. Review status: criteria provided, single submitter. Criteria: ACMG Guidelines, 2015. Collection method: clinical testing. Allele origin: germline.

German Consortium for Hereditary Breast and Ovarian Cancer, University Hospital Cologne
Classification: Likely benign for Hereditary breast ovarian cancer syndrome. Last evaluated: 2024-12-10. Review status: criteria provided, single submitter. Criteria: ACMG Guidelines, 2015. Collection method: curation. Allele origin: germline.
Comment: According to the ACMG SVI adaptation criteria we chose these criteria: PP3 (supporting pathogenic): SpliceAI 0.67 Acceptor gain, BS1 (strong benign): Allele frequency is greater than expected for disorder, BS3 (strong benign): Functional RNA study has shown that the variant causes insignificant splicing aberration (PMID: 34439939)

All of Us Research Program, National Institutes of Health
Classification: Likely benign for Peutz-Jeghers syndrome. Last evaluated: 2023-12-18. Review status: criteria provided, single submitter. Criteria: ACMG Guidelines, 2015. Collection method: clinical testing. Allele origin: germline. Inheritance: Autosomal dominant inheritance. Observed: 16 variant alleles, 16 heterozygotes.
Comment: This study involves interpretation of variants in research participants for the purpose of population health screening. Participant phenotype was not available at the time of variant classification. Additional details can be found in publication PMID: 35346344, PMCID: PMC8962531

Blueprint Genetics
Classification: Likely benign. Last evaluated: 2023-11-30. Review status: criteria provided, single submitter. Criteria: ACMG Guidelines, 2015. Collection method: clinical testing. Allele origin: germline.

Myriad Genetics, Inc.
Classification: Benign for Peutz-Jeghers syndrome. Last evaluated: 2023-04-13. Review status: criteria provided, single submitter. Criteria: Myriad Autosomal Dominant, Autosomal Recessive and X-Linked Classification Criteria (2023). Collection method: clinical testing. Allele origin: unknown.
Comment: This variant is considered benign. This variant is a silent/synonymous amino acid change and it is not expected to impact splicing.

Quest Diagnostics Nichols Institute San Juan Capistrano
Classification: Likely benign. Last evaluated: 2022-11-04. Review status: criteria provided, single submitter. Criteria: Quest Diagnostics criteria. Collection method: clinical testing. Allele origin: unknown.

Institute of Medical Genetics and Applied Genomics, University Hospital Tübingen
Classification: Likely benign for Hereditary breast ovarian cancer syndrome. Last evaluated: 2021-10-20. Review status: criteria provided, single submitter. Criteria: ACMG Guidelines, 2015. Collection method: clinical testing. Allele origin: germline. Inheritance: Autosomal dominant inheritance. Affected: yes.

Genome-Nilou Lab
Classification: Likely benign for Peutz-Jeghers syndrome. Last evaluated: 2021-07-15. Review status: criteria provided, single submitter. Criteria: ACMG Guidelines, 2015. Collection method: clinical testing. Allele origin: germline. Affected: no.

Department of Molecular Diagnostics, Institute of Oncology Ljubljana
Classification: Likely benign for Hereditary cancer-predisposing syndrome. Last evaluated: 2021-07-14. Review status: criteria provided, single submitter. Criteria: ACMG Guidelines, 2015. Collection method: clinical testing. Allele origin: germline. Affected: yes.
Comment: STK11:c.615G>A p.(Ala205=) variant was detected in 2 patients without Peutz-Jeghers phenotype. The variants is predicted to create a new acceptor splice site by in silico splicing tools. Functional RNA study has shown that the variant causes insignificant splicing aberration (PMID: 34439939). Therefore the variant was classified as likely benign (ACMG/AMP: BS3, BP5, PM2).

Women's Health and Genetics/Laboratory Corporation of America, LabCorp
Classification: Likely benign. Last evaluated: 2020-02-22. Review status: criteria provided, single submitter. Criteria: LabCorp Variant Classification Summary - May 2015. Collection method: clinical testing. Allele origin: germline.

Color Diagnostics, LLC DBA Color Health
Classification: Likely benign for Hereditary cancer-predisposing syndrome. Last evaluated: 2019-12-16. Review status: criteria provided, single submitter. Criteria: ACMG Guidelines, 2015. Collection method: clinical testing. Allele origin: germline.

Illumina Laboratory Services, Illumina
Classification: Likely benign for Peutz-Jeghers syndrome. Last evaluated: 2017-04-27. Review status: criteria provided, single submitter. Criteria: ICSL Variant Classification Criteria 13 December 2019. Collection method: clinical testing. Allele origin: germline.
Comment: This variant was observed as part of a predisposition screen in an ostensibly healthy population. A literature search was performed for the gene, cDNA change, and amino acid change (where applicable). No publications were found based on this search. Allele frequency data from public databases allowed determination this variant is unlikely to cause disease. Therefore, this variant is classified as likely benign.

Ambry Genetics
Classification: Likely benign for Hereditary cancer-predisposing syndrome. Last evaluated: 2015-03-12. Review status: criteria provided, single submitter. Criteria: Ambry Variant Classification Scheme 2023. Collection method: clinical testing. Allele origin: germline.

GeneDx
Classification: Benign. Last evaluated: 2014-06-09. Review status: criteria provided, single submitter. Criteria: GeneDx Variant Classification (06012015). Collection method: clinical testing. Allele origin: germline. Affected: yes.
Comment: This variant is considered likely benign or benign based on one or more of the following criteria: it is a conservative change, it occurs at a poorly conserved position in the protein, it is predicted to be benign by multiple in silico algorithms, and/or has population frequency not consistent with disease.

Counsyl
Classification: Likely benign for Peutz-Jeghers syndrome. Last evaluated: 2016-05-18. Review status: no assertion criteria provided. Collection method: clinical testing. Allele origin: unknown. Not counted in ClinVar's aggregate classification.

Department of Pathology and Laboratory Medicine, Sinai Health System
Classification: Likely benign for Peutz-Jeghers syndrome. Review status: no assertion criteria provided. Collection method: clinical testing. Allele origin: unknown. Affected: yes. Study: The Canadian Open Genetics Repository (COGR). Not counted in ClinVar's aggregate classification.
Comment: The STK11 p.Ala205= variant was identified in 1 of 14102 proband chromosomes (frequency: 0.00007) from individuals or families with breast cancer and was not identified in 22482 control chromosomes from healthy individuals (Momozawa, 2018). The variant was also identified in dbSNP (ID: rs532889728) as â€šÃ„ÃºWith other alleleâ€šÃ„Ã¹, ClinVar (classified as benign by GeneDx, as likely benign by Ambry Genetics and Counsyl, and as uncertain significance by Invitae and Color Genomics), LOVD 3.0 (classified as uncertain significance). The variant was identified in control databases in 10 of 238092 chromosomes at a frequency of 0.000042 (Genome Aggregation Database Feb 27, 2017). The variant was observed in the following populations: Latino in 2 of 30902 chromosomes (freq: 0.000065), European Non-Finnish in 6 of 105662 chromosomes (freq: 0.000057), East Asian in 2 of 16486 chromosomes (freq: 0.0001), while the variant was not observed in the African, Other, Ashkenazi Jewish, European Finnish, and South Asian populations. In a study of STK11 variants this variant was observed to demonstrate IHC stain intensity comparable to wild type (Pelak, 2013). The p.Ala205= variant is not expected to have clinical significance because it does not result in a change of amino acid and is not located in a known consensus splice site. The variant occurs outside of the splicing consensus sequence and 3 of 4 in silico or computational prediction software programs (SpliceSiteFinder, MaxEntScan, NNSPLICE, GeneSplicer) predict a greater than 10% difference in splicing; however, this information is not predictive enough to assume pathogenicity. In summary, based on the above information the clinical significance of this variant cannot be determined with certainty at this time although we would lean towards a more benign role for this variant. This variant is classified as likely benign.

Literature cited by the submitters: PubMed 30287823 (cited by Quest Diagnostics Nichols Institute San Juan Capistrano); PubMed 34439939 (cited by Quest Diagnostics Nichols Institute San Juan Capistrano); DOI 10.3390/biology10080706 (cited by Department of Molecular Diagnostics, Institute of Oncology Ljubljana).

NM_000455.5(STK11):c.615G>A (p.Ala205=)

Gene: STK11 (serine/threonine kinase 11; plus strand). Cytogenetic location: 19p13.3.
Variant type: single nucleotide variant.
Coding change: c.615G>A on transcript NM_000455.5 (MANE Select); coding-DNA position 615, G replaced by A.
Protein change: p.Ala205=; no amino-acid change (alanine 205 retained).
Molecular consequence: synonymous variant.
Genome position (GRCh38, 1-based): chr19:1,220,598, G>A. VCF-style: chr19-1220598-G-A. GRCh37 (hg19) VCF-style: chr19-1220597-G-A.
Other names: p.A205A:GCG>GCA.
Identifiers: ClinVar variation 182882 (VCV000182882.57), dbSNP rs532889728, ClinGen allele CA023154.
Genomic context (GRCh38, chr19:1,220,598, plus strand): 5'-CCCCTCCCGGGCACTCCCTGAGGGCTGCACGGCACCGCCACAGGCACTGCACCCGTTCGC[G>A]GCGGACGACACCTGCCGGACCAGCCAGGGCTCCCCGGCTTTCCAGCCGCCCGAGATTGCC-3'
Protein context (NP_000446.1, residues 195-215): LGVAEALHPF[Ala205=]ADDTCRTSQG